The following is an entry in ClinVar:

NM_001312673.2(PCYT1A):c.297G>A (p.Ala99=)

Gene: PCYT1A (phosphate cytidylyltransferase 1A, choline; minus strand). Cytogenetic location: 3q29.
Variant type: single nucleotide variant.
Coding change: c.297G>A on transcript NM_001312673.2 (MANE Select); coding-DNA position 297, G replaced by A.
Protein change: p.Ala99=; no amino-acid change (alanine 99 retained).
Molecular consequence: synonymous variant.
Genome position (GRCh38, 1-based): chr3:196,248,244, C>T on the plus strand (G>A on the coding strand, the complement: PCYT1A is on the minus strand). VCF-style: chr3-196248244-C-T. GRCh37 (hg19) VCF-style: chr3-195975115-C-T.
Other names: c.297G>A, p.Ala99= (NM_005017.4); c.297G>A (NM_005017.3).
Identifiers: ClinVar variation 1121180 (VCV001121180.10), dbSNP rs373884509, ClinGen allele CA2779581.
Genomic context (GRCh38, chr3:196,248,244, plus strand): 5'-GAAGTCACCAAATGTTTTCTTACCTCCCACAATGAGGTACGTATTAGGGAAAAGGTTCTT[C>T]GCTTGCATCAGAGCTCGGGCGTGACCAGAGTGAAATAAGTCAAATATTCCATCGGCATAA-3'
Protein context (NP_001299602.1, residues 89-109): HSGHARALMQ[Ala99=]KNLFPNTYLI

ClinVar aggregate classification (germline): Likely benign. Review status: criteria provided, multiple submitters, no conflicts (2 of 4 stars). 3 submissions from 3 submitters: Likely benign (2). 1 of the submissions does not count toward it. Last evaluated 2026-01-12.

Conditions:
PCYT1A-related disorder. Also called: PCYT1A-related condition.

Allele frequency attached by ClinVar (database versions not stated): gnomAD exomes 0.00009 and 0.00014; ExAC 0.00010; TOPMed 0.00012; gnomAD 0.00013 and 0.00014; ESP Exome Variant Server 0.00015.
gnomAD v4.1: 150 of 1,612,502 alleles (0.0093%); highest among the groups gnomAD compares: Non-Finnish European, 0.0059%; no homozygotes.

Submissions (3):

Labcorp Genetics (formerly Invitae), Labcorp
Classification: Likely benign. Last evaluated: 2026-01-12. Review status: criteria provided, single submitter. Criteria: Invitae Variant Classification Sherloc (09022015). Collection method: clinical testing. Allele origin: germline.

Blueprint Genetics
Classification: Likely benign. Last evaluated: 2024-10-23. Review status: criteria provided, single submitter. Criteria: ACMG Guidelines, 2015. Collection method: clinical testing. Allele origin: germline.

PreventionGenetics, part of Exact Sciences
Classification: Likely benign for PCYT1A-related condition. Last evaluated: 2019-09-10. Review status: no assertion criteria provided. Collection method: clinical testing. Allele origin: germline. Not counted in ClinVar's aggregate classification.
Comment: This variant is classified as likely benign based on ACMG/AMP sequence variant interpretation guidelines (Richards et al. 2015 PMID: 25741868, with internal and published modifications).